The following is an entry in ClinVar:

ClinVar aggregate classification (germline): Conflicting classifications of pathogenicity. Review status: criteria provided, conflicting classifications (1 of 4 stars). 2 submissions from 2 submitters: Uncertain significance (1); Likely benign (1). Last evaluated 2019-02-11.

Conditions:
Hereditary cancer-predisposing syndrome. Also called: Tumor predisposition; Hereditary Cancer Syndrome; Neoplastic Syndromes, Hereditary; Hereditary neoplastic syndrome. Identifiers: Orphanet 140162, MedGen C0027672, MeSH D009386, MONDO:0015356.
Ataxia-telangiectasia-like disorder (ATLD). Identifiers: MedGen C1858391, MONDO:0011457.

Submissions (2):

Labcorp Genetics (formerly Invitae), Labcorp
Classification: Uncertain significance for Ataxia-telangiectasia-like disorder. Last evaluated: 2019-02-11. Review status: criteria provided, single submitter. Criteria: Invitae Variant Classification Sherloc (09022015). Collection method: clinical testing. Allele origin: germline.
Comment: In summary, the available evidence is currently insufficient to determine the role of this variant in disease. Therefore, it has been classified as a Variant of Uncertain Significance. Algorithms developed to predict the effect of missense changes on protein structure and function output the following: SIFT: "Tolerated"; PolyPhen-2: "Benign"; Align-GVGD: "Class C0". The asparagine amino acid residue is found in multiple mammalian species, suggesting that this missense change does not adversely affect protein function. These predictions have not been confirmed by published functional studies and their clinical significance is uncertain. This variant has not been reported in the literature in individuals with MRE11-related conditions. This variant is not present in population databases (ExAC no frequency). This sequence change replaces serine with asparagine at codon 377 of the MRE11 protein (p.Ser377Asn). The serine residue is weakly conserved and there is a small physicochemical difference between serine and asparagine.

Ambry Genetics
Classification: Likely benign for Hereditary cancer-predisposing syndrome. Last evaluated: 2018-03-30. Review status: criteria provided, single submitter. Criteria: Ambry Variant Classification Scheme 2023. Collection method: clinical testing. Allele origin: germline.

NM_005591.4(MRE11):c.1130G>A (p.Ser377Asn)

Gene: MRE11 (MRE11 double strand break repair nuclease; minus strand). Cytogenetic location: 11q21.
Variant type: single nucleotide variant.
Coding change: c.1130G>A on transcript NM_005591.4 (MANE Select); coding-DNA position 1130, G replaced by A.
Protein change: p.Ser377Asn; replaces serine 377 with asparagine.
Molecular consequence: missense variant.
Genome position (GRCh38, 1-based): chr11:94,464,208, C>T on the plus strand (G>A on the coding strand, the complement: MRE11 is on the minus strand). VCF-style: chr11-94464208-C-T. GRCh37 (hg19) VCF-style: chr11-94197374-C-T.
Other names: c.1130G>A, p.Ser377Asn (NM_001330347.2, NM_005590.4); short protein forms S377N.
Identifiers: ClinVar variation 822223 (VCV000822223.14), dbSNP rs753536984, ClinGen allele CA382372977.
Genomic context (GRCh38, chr11:94,464,208, plus strand): 5'-TGGATAATGTCTTTTGGATTAGCTACCCGATCCACAAATTTCTGGCTAAAGCGAAGAACA[C>T]TGAAAGGTTCAAAACCTCCACTATAGTCCACCTGAAAACACAGAATAATCTATGAACGCT-3'
Protein context (NP_005582.1, residues 367-387): VDYSGGFEPF[Ser377Asn]VLRFSQKFVD